The following is an entry in ClinVar:

NM_152383.5(DIS3L2):c.1093C>A (p.Pro365Thr)

Gene: DIS3L2 (DIS3 like 3'-5' exoribonuclease 2; plus strand). Cytogenetic location: 2q37.1.
Variant type: single nucleotide variant.
Coding change: c.1093C>A on transcript NM_152383.5 (MANE Select); coding-DNA position 1093, C replaced by A.
Protein change: p.Pro365Thr; replaces proline 365 with threonine.
Molecular consequence: missense variant. On other transcripts: non-coding transcript variant (2).
Genome position (GRCh38, 1-based): chr2:232,163,601, C>A. VCF-style: chr2-232163601-C-A. GRCh37 (hg19) VCF-style: chr2-233028311-C-A.
Other names: c.1093C>A, p.Pro365Thr (NM_001257281.2); short protein forms P365T.
Identifiers: ClinVar variation 854149 (VCV000854149.9), dbSNP rs1212087878, ClinGen allele CA351154462.
Genomic context (GRCh38, chr2:232,163,601, plus strand): 5'-TCTGATTTCTCTTCAGAAGTTCTAGAATGTCTTCCTCAAGGCCTGCCATGGACAATTCCA[C>A]CAGAGGAGTTCAGCAAGAGAAGGGATTTAAGGTAAGCACCTGAAACCCTTTAAGAACGTA-3'
Protein context (NP_689596.4, residues 355-375): LPQGLPWTIP[Pro365Thr]EEFSKRRDLR

ClinVar aggregate classification (germline): Uncertain significance (1 of 4 stars; one submission).

Conditions:
Perlman syndrome (PRLMNS). Identifiers: Orphanet 2849, MedGen C0796113, MONDO:0009965, OMIM 267000.

Allele frequency attached by ClinVar (database versions not stated): gnomAD exomes below 0.00001; TOPMed 0.00002.
gnomAD v4.1: 3 of 1,613,850 alleles (0.00019%); highest among the groups gnomAD compares: Admixed American, 0.0017%; no homozygotes.

Submission:

Labcorp Genetics (formerly Invitae), Labcorp
Classification: Uncertain significance for Perlman syndrome. Last evaluated: 2019-12-17. Review status: criteria provided, single submitter. Criteria: Invitae Variant Classification Sherloc (09022015). Collection method: clinical testing. Allele origin: germline.
Comment: In summary, the available evidence is currently insufficient to determine the role of this variant in disease. Therefore, it has been classified as a Variant of Uncertain Significance. Algorithms developed to predict the effect of missense changes on protein structure and function (SIFT, PolyPhen-2, Align-GVGD) all suggest that this variant is likely to be tolerated, but these predictions have not been confirmed by published functional studies and their clinical significance is uncertain. This variant has not been reported in the literature in individuals with DIS3L2-related conditions. This variant is not present in population databases (ExAC no frequency). This sequence change replaces proline with threonine at codon 365 of the DIS3L2 protein (p.Pro365Thr). The proline residue is moderately conserved and there is a small physicochemical difference between proline and threonine.